The following is an entry in ClinVar:

ClinVar aggregate classification (germline): Likely pathogenic (1 of 4 stars; one submission).

Conditions:
Brittle cornea syndrome 1 (BCS1). Also called: FRAGILITAS OCULI WITH JOINT HYPEREXTENSIBILITY; CORNEAL FRAGILITY, KERATOGLOBUS, BLUE SCLERAE, JOINT HYPEREXTENSIBILITY; EDS6B; Corneal fragility keratoglobus, blue sclerae AND joint hypermobility; DYSGENESIS MESODERMALIS CORNEAE ET SCLERAE. Identifiers: Orphanet 90354, MedGen C0268344, MONDO:0024543, OMIM 229200.

Submission:

Women's Health and Genetics/Laboratory Corporation of America, LabCorp
Classification: Likely pathogenic for Brittle cornea syndrome 1. Last evaluated: 2023-03-08. Review status: criteria provided, single submitter. Criteria: LabCorp Variant Classification Summary - May 2015. Collection method: clinical testing. Allele origin: germline.
Comment: Variant summary: ZNF469 c.7874_7877dupGCCA (p.His2626GlnfsX9) results in a premature termination codon, predicted to cause a truncation of the encoded protein or absence of the protein. Truncations downstream of this position have been classified as pathogenic by our laboratory and in ClinVar. The variant was absent in 153610 control chromosomes (gnomAD). To our knowledge, no occurrence of c.7874_7877dupGCCA in individuals affected with Brittle Cornea Syndrome 1 and no experimental evidence demonstrating its impact on protein function have been reported. No clinical diagnostic laboratories have submitted clinical-significance assessments for this variant to ClinVar after 2014. Based on the evidence outlined above, the variant was classified as likely pathogenic.

NM_001367624.2(ZNF469):c.7874_7877dup (p.His2626fs)

Gene: ZNF469 (zinc finger protein 469; plus strand). Cytogenetic location: 16q24.2.
Variant type: Duplication.
Coding change: c.7874_7877dup on transcript NM_001367624.2 (MANE Select); coding-DNA positions 7874 to 7877, 4 bases duplicated (GCCA; older notation c.7874_7877dupGCCA).
Protein change: p.His2626fs; shifts the reading frame from histidine 2626.
Molecular consequence: frameshift variant.
Genome position (GRCh38, 1-based): chr16:88,435,344-88,435,347, GCCA duplicated; duplicating any 4 consecutive bases within chr16:88,435,343-88,435,347 gives the same sequence; the c. name uses the placement nearest the transcript's 3' end. VCF-style (leftmost placement, unchanged base first): chr16-88435342-T-TAGCC. GRCh37 (hg19) VCF-style: chr16-88501750-T-TAGCC.
Other names: c.7874_7877dupGCCA (NM_001367624.2); short protein forms H2626fs.
Identifiers: ClinVar variation 2501120 (VCV002501120.1), dbSNP rs2507597837, ClinGen allele CA2580613915.
Genomic context (GRCh38, chr16:88,435,342, plus strand): 5'-CAAACAGGCAGAAAAAAGAGAAGGCCGGAGGTGGCGCCGAGAGCCCACCGTGGACTCTCC[T>TAGCC]AGCCACTCAGAGGGGAAGTCAAATAAGAAAAGGGGAAAGCTGAGAGGGAGAAGGCTCCGG-3'